The following is an entry in ClinVar:

NM_001004127.3(ALG11):c.29T>C (p.Leu10Pro)

Genes: ALG11 (ALG11 alpha-1,2-mannosyltransferase; plus strand), LOC130009841 (ATAC-STARR-seq lymphoblastoid active region 7785; plus strand). Cytogenetic location: 13q14.3.
Variant type: single nucleotide variant.
Coding change: c.29T>C on transcript NM_001004127.3 (MANE Select); coding-DNA position 29, T replaced by C.
Protein change: p.Leu10Pro; replaces leucine 10 with proline.
Molecular consequence: missense variant. On other transcripts: non-coding transcript variant (1).
Genome position (GRCh38, 1-based): chr13:52,012,447, T>C. VCF-style: chr13-52012447-T-C. GRCh37 (hg19) VCF-style: chr13-52586583-T-C.
Other names: short protein forms L10P.
Identifiers: ClinVar variation 3392570 (VCV003392570.1).

ClinVar aggregate classification (germline): Uncertain significance (1 of 4 stars; one submission).

gnomAD v4.1: 2 of 1,613,966 alleles (0.00012%); highest among the groups gnomAD compares: African/African-American, 0.0013%; no homozygotes.

Submission:

GeneDx
Classification: Uncertain significance. Last evaluated: 2024-06-26. Review status: criteria provided, single submitter. Criteria: GeneDx Variant Classification Process June 2021. Collection method: clinical testing. Allele origin: germline. Affected: yes.
Comment: Not observed at significant frequency in large population cohorts (gnomAD); In silico analysis supports that this missense variant has a deleterious effect on protein structure/function; Has not been previously published as pathogenic or benign to our knowledge